The following is an entry in ClinVar:

ClinVar aggregate classification (germline): Uncertain significance (1 of 4 stars; one submission).

Conditions:
Hereditary sensory and autonomic neuropathy type 1 (HSAN1). Also called: HSAN 1; HSN Type I; Hereditary Sensory Neuropathy Type I. Identifiers: Orphanet 36386, MedGen C0020071, MONDO:0018213.

Allele frequency attached by ClinVar (database versions not stated): gnomAD 0.00001; ExAC 0.00001.
gnomAD v4.1: 13 of 1,613,254 alleles (0.00081%); highest among the groups gnomAD compares: Non-Finnish European, 0.00093%; no homozygotes.

Submission:

Labcorp Genetics (formerly Invitae), Labcorp
Classification: Uncertain significance for Hereditary sensory and autonomic neuropathy type 1. Last evaluated: 2022-05-30. Review status: criteria provided, single submitter. Criteria: Invitae Variant Classification Sherloc (09022015). Collection method: clinical testing. Allele origin: germline.
Comment: This sequence change replaces arginine, which is basic and polar, with leucine, which is neutral and non-polar, at codon 233 of the SPTLC1 protein (p.Arg233Leu). This variant is present in population databases (rs764623559, gnomAD 0.0009%). This variant has not been reported in the literature in individuals affected with SPTLC1-related conditions. Algorithms developed to predict the effect of missense changes on protein structure and function are either unavailable or do not agree on the potential impact of this missense change (SIFT: "Deleterious"; PolyPhen-2: "Possibly Damaging"; Align-GVGD: "Class C0"). In summary, the available evidence is currently insufficient to determine the role of this variant in disease. Therefore, it has been classified as a Variant of Uncertain Significance.

NM_006415.4(SPTLC1):c.698G>T (p.Arg233Leu)

Gene: SPTLC1 (serine palmitoyltransferase long chain base subunit 1; minus strand). Cytogenetic location: 9q22.31.
Variant type: single nucleotide variant.
Coding change: c.698G>T on transcript NM_006415.4 (MANE Select); coding-DNA position 698, G replaced by T.
Protein change: p.Arg233Leu; replaces arginine 233 with leucine.
Molecular consequence: missense variant.
Genome position (GRCh38, 1-based): chr9:92,055,487, C>A on the plus strand (G>T on the coding strand, the complement: SPTLC1 is on the minus strand). VCF-style: chr9-92055487-C-A. GRCh37 (hg19) VCF-style: chr9-94817769-C-A.
Other names: c.698G>T, p.Arg233Leu (NM_001281303.2); c.332G>T, p.Arg111Leu (NM_001368272.1); c.233G>T, p.Arg78Leu (NM_001368273.1); short protein forms R233L, R111L, R78L.
Identifiers: ClinVar variation 2140509 (VCV002140509.4), dbSNP rs764623559, ClinGen allele CA5121460.